The following is an entry in ClinVar:

ClinVar aggregate classification (germline): Likely benign (1 of 4 stars; one submission).

Allele frequency attached by ClinVar (database versions not stated): gnomAD exomes 0.00120; gnomAD 0.00971 and 0.01047; TOPMed 0.01086; 1000 Genomes Project 0.01138; 1000 Genomes Project 30x 0.01171.

Submission:

GeneDx
Classification: Likely benign. Last evaluated: 2020-04-09. Review status: criteria provided, single submitter. Criteria: GeneDx Variant Classification Process June 2021. Collection method: clinical testing. Allele origin: germline. Affected: yes.
Comment: See Variant Classification Assertion Criteria.

NC_000002.12:g.169362546C>G

Gene: LRP2 (LDL receptor related protein 2; minus strand). Cytogenetic location: 2q31.1.
Variant type: single nucleotide variant.
Genome position: GRCh38 VCF-style: chr2-169362546-C-G. GRCh37 (hg19) VCF-style: chr2-170219056-C-G.
Identifiers: ClinVar variation 332210 (VCV000332210.8), dbSNP rs114880772, ClinGen allele CA10612947.
Genomic context (GRCh38, chr2:169,362,546, plus strand): 5'-ACGCTCCTTTAGGTCTGCACCTCCGCCAGCTCCTAGTGGCCAAAAGCCTGCCCCCACGCC[C>G]GAGGCATCCCGTTTTCTACCCGCGCCAGTCCCCACCCTCCAGACAGTGCATAAAGCCCTT-3'